The following is an entry in ClinVar:

ClinVar aggregate classification (germline): Uncertain significance (1 of 4 stars; one submission).

Allele frequency attached by ClinVar (database versions not stated): TOPMed below 0.00001; ExAC 0.00001; gnomAD 0.00002; ESP Exome Variant Server 0.00008.
gnomAD v4.1: 3 of 1,607,602 alleles (0.00019%); highest among the groups gnomAD compares: African/African-American, 0.004%; no homozygotes.

Submission:

Labcorp Genetics (formerly Invitae), Labcorp
Classification: Uncertain significance. Last evaluated: 2022-03-11. Review status: criteria provided, single submitter. Criteria: Invitae Variant Classification Sherloc (09022015). Collection method: clinical testing. Allele origin: germline.
Comment: In summary, the available evidence is currently insufficient to determine the role of this variant in disease. Therefore, it has been classified as a Variant of Uncertain Significance. Algorithms developed to predict the effect of sequence changes on RNA splicing suggest that this variant may create or strengthen a splice site. Algorithms developed to predict the effect of missense changes on protein structure and function are either unavailable or do not agree on the potential impact of this missense change (SIFT: "Deleterious"; PolyPhen-2: "Benign"; Align-GVGD: "Class C0"). This variant has not been reported in the literature in individuals affected with PYCR1-related conditions. This variant is present in population databases (rs373386140, gnomAD 0.009%). This sequence change replaces alanine, which is neutral and non-polar, with valine, which is neutral and non-polar, at codon 22 of the PYCR1 protein (p.Ala22Val).

NM_006907.4(PYCR1):c.65C>T (p.Ala22Val)

Gene: PYCR1 (pyrroline-5-carboxylate reductase 1; minus strand). Cytogenetic location: 17q25.3.
Variant type: single nucleotide variant.
Coding change: c.65C>T on transcript NM_006907.4 (MANE Select); coding-DNA position 65, C replaced by T.
Protein change: p.Ala22Val; replaces alanine 22 with valine.
Molecular consequence: missense variant.
Genome position (GRCh38, 1-based): chr17:81,936,750, G>A on the plus strand (C>T on the coding strand, the complement: PYCR1 is on the minus strand). VCF-style: chr17-81936750-G-A. GRCh37 (hg19) VCF-style: chr17-79894626-G-A.
Other names: c.65C>T, p.Ala22Val (NM_001282279.2, NM_001282280.2, NM_001330523.2 and 1 more transcripts); c.146C>T, p.Ala49Val (NM_001282281.2); short protein forms A49V, A22V.
Identifiers: ClinVar variation 2053393 (VCV002053393.4), dbSNP rs373386140, ClinGen allele CA8845606.